The following is an entry in ClinVar:

NM_000539.3(RHO):c.778G>A (p.Ala260Thr)

Gene: RHO (rhodopsin; plus strand). Cytogenetic location: 3q22.1.
Variant type: single nucleotide variant.
Coding change: c.778G>A on transcript NM_000539.3 (MANE Select); coding-DNA position 778, G replaced by A.
Protein change: p.Ala260Thr; replaces alanine 260 with threonine.
Molecular consequence: missense variant.
Genome position (GRCh38, 1-based): chr3:129,532,614, G>A. VCF-style: chr3-129532614-G-A. GRCh37 (hg19) VCF-style: chr3-129251457-G-A.
Other names: short protein forms A260T.
Identifiers: ClinVar variation 1896257 (VCV001896257.6), dbSNP rs150250946, ClinGen allele CA2607287.

ClinVar aggregate classification (germline): Uncertain significance. Review status: criteria provided, multiple submitters, no conflicts (2 of 4 stars). 2 submissions from 2 submitters: Uncertain significance (2). Last evaluated 2025-10-17.

Conditions:
RHO-related disorder. Also called: RHO-related condition.

Allele frequency attached by ClinVar (database versions not stated): gnomAD 0.00002; TOPMed 0.00002; gnomAD exomes 0.00003; ExAC 0.00004; ESP Exome Variant Server 0.00015.

Submissions (2):

PreventionGenetics, part of Exact Sciences
Classification: Uncertain significance for RHO-related condition. Last evaluated: 2025-10-17. Review status: criteria provided, single submitter. Criteria: ACMG Guidelines, 2015. Collection method: clinical testing. Allele origin: germline.
Comment: The RHO c.778G>A variant is predicted to result in the amino acid substitution p.Ala260Thr. To our knowledge, this variant has not been reported in the literature. This variant is reported in 0.0065% of alleles in individuals of South Asian descent in gnomAD. At this time, the clinical significance of this variant is uncertain due to the absence of conclusive functional and genetic evidence.

Labcorp Genetics (formerly Invitae), Labcorp
Classification: Uncertain significance. Last evaluated: 2025-07-09. Review status: criteria provided, single submitter. Criteria: Invitae Variant Classification Sherloc (09022015). Collection method: clinical testing. Allele origin: germline.
Comment: This sequence change replaces alanine, which is neutral and non-polar, with threonine, which is neutral and polar, at codon 260 of the RHO protein (p.Ala260Thr). This variant is present in population databases (rs150250946, gnomAD 0.006%). This variant has not been reported in the literature in individuals affected with RHO-related conditions. ClinVar contains an entry for this variant (Variation ID: 1896257). Invitae Evidence Modeling of protein sequence and biophysical properties (such as structural, functional, and spatial information, amino acid conservation, physicochemical variation, residue mobility, and thermodynamic stability) indicates that this missense variant is not expected to disrupt RHO protein function with a negative predictive value of 95%. In summary, the available evidence is currently insufficient to determine the role of this variant in disease. Therefore, it has been classified as a Variant of Uncertain Significance.